The following is an entry in ClinVar:

ClinVar aggregate classification (germline): Uncertain significance (1 of 4 stars; one submission).

Conditions:
Primary ciliary dyskinesia. Also called: Ciliary dyskinesia. Identifiers: Orphanet 244, MedGen C0008780, MONDO:0016575, HP:0012265.

gnomAD v4.1: 4 of 1,605,376 alleles (0.00025%); highest among the groups gnomAD compares: Middle Eastern, 0.017%; no homozygotes.

Submission:

Ambry Genetics
Classification: Uncertain significance for Primary ciliary dyskinesia. Last evaluated: 2022-10-23. Review status: criteria provided, single submitter. Criteria: Ambry Variant Classification Scheme 2023. Collection method: clinical testing. Allele origin: germline.
Comment: The p.M268V variant (also known as c.802A>G), located in coding exon 6 of the LRRC6 gene, results from an A to G substitution at nucleotide position 802. The methionine at codon 268 is replaced by valine, an amino acid with highly similar properties. This amino acid position is conserved. In addition, this alteration is predicted to be tolerated by in silico analysis. Since supporting evidence is limited at this time, the clinical significance of this alteration remains unclear.

NM_012472.6(DNAAF11):c.802A>G (p.Met268Val)

Gene: DNAAF11 (dynein axonemal assembly factor 11; minus strand). Cytogenetic location: 8q24.22.
Variant type: single nucleotide variant.
Coding change: c.802A>G on transcript NM_012472.6 (MANE Select); coding-DNA position 802, A replaced by G.
Protein change: p.Met268Val; replaces methionine 268 with valine.
Molecular consequence: missense variant. On other transcripts: non-coding transcript variant (10).
Genome position (GRCh38, 1-based): chr8:132,625,306, T>C on the plus strand (A>G on the coding strand, the complement: DNAAF11 is on the minus strand). VCF-style: chr8-132625306-T-C. GRCh37 (hg19) VCF-style: chr8-133637552-T-C.
Other names: c.802A>G, p.Met268Val (NM_001321961.2); c.556A>G, p.Met186Val (NM_001321962.2); c.442A>G, p.Met148Val (NM_001321963.2, NM_001321964.2, NM_001321965.2 and 1 more transcripts); short protein forms M148V, M186V, M268V.
Identifiers: ClinVar variation 1800057 (VCV001800057.2), dbSNP rs1483225382, ClinGen allele CA372294575.